The following is an entry in ClinVar:

NM_001378457.1(DMXL2):c.8605A>G (p.Ser2869Gly)

Gene: DMXL2 (Dmx like 2; minus strand). Cytogenetic location: 15q21.2.
Variant type: single nucleotide variant.
Coding change: c.8605A>G on transcript NM_001378457.1 (MANE Select); coding-DNA position 8605, A replaced by G.
Protein change: p.Ser2869Gly; replaces serine 2869 with glycine.
Molecular consequence: missense variant. On other transcripts: non-coding transcript variant (1).
Genome position (GRCh38, 1-based): chr15:51,453,641, T>C on the plus strand (A>G on the coding strand, the complement: DMXL2 is on the minus strand). VCF-style: chr15-51453641-T-C. GRCh37 (hg19) VCF-style: chr15-51745838-T-C.
Other names: c.6631A>G, p.Ser2211Gly (NM_001174117.3); c.8602A>G, p.Ser2868Gly (NM_001378458.1); c.8317A>G, p.Ser2773Gly (NM_001378459.1); c.6520A>G, p.Ser2174Gly (NM_001378460.1); c.8539A>G, p.Ser2847Gly (NM_015263.5); c.8542A>G, p.Ser2848Gly (NM_001174116.3); short protein forms S2848G, S2868G, S2211G, S2174G, S2869G, S2773G, S2847G.
Identifiers: ClinVar variation 1367509 (VCV001367509.8), dbSNP rs2141195655, ClinGen allele CA392431629.

ClinVar aggregate classification (germline): Uncertain significance (1 of 4 stars; one submission).

Allele frequency attached by ClinVar (database versions not stated): gnomAD exomes 0.00001.
gnomAD v4.1: 5 of 1,612,470 alleles (0.00031%); highest among the groups gnomAD compares: Non-Finnish European, 0.00042%; no homozygotes.

Submission:

Labcorp Genetics (formerly Invitae), Labcorp
Classification: Uncertain significance. Last evaluated: 2021-07-14. Review status: criteria provided, single submitter. Criteria: Invitae Variant Classification Sherloc (09022015). Collection method: clinical testing. Allele origin: germline.
Comment: Algorithms developed to predict the effect of missense changes on protein structure and function are either unavailable or do not agree on the potential impact of this missense change (SIFT: "Deleterious"; PolyPhen-2: "Benign"; Align-GVGD: "Class C0"). This sequence change replaces serine with glycine at codon 2848 of the DMXL2 protein (p.Ser2848Gly). The serine residue is highly conserved and there is a small physicochemical difference between serine and glycine. This variant is not present in population databases (ExAC no frequency). This variant has not been reported in the literature in individuals affected with DMXL2-related conditions. In summary, the available evidence is currently insufficient to determine the role of this variant in disease. Therefore, it has been classified as a Variant of Uncertain Significance.